The following is an entry in ClinVar:

ClinVar aggregate classification (germline): Uncertain significance (1 of 4 stars; one submission).

Submission:

Ambry Genetics
Classification: Uncertain significance. Last evaluated: 2026-03-23. Review status: criteria provided, single submitter. Criteria: Ambry Variant Classification Scheme 2023. Collection method: clinical testing. Allele origin: germline.
Comment: The p.T737N variant (also known as c.2210C>A), located in coding exon 4 of the CDK12 gene, results from a C to A substitution at nucleotide position 2210. The threonine at codon 737 is replaced by asparagine, an amino acid with similar properties. This amino acid position is conserved. In addition, the in silico prediction for this alteration is inconclusive. Based on the available evidence, the clinical significance of this variant remains unclear.

NM_016507.4(CDK12):c.2210C>A (p.Thr737Asn)

Gene: CDK12 (cyclin dependent kinase 12; plus strand). Cytogenetic location: 17q12.
Variant type: single nucleotide variant.
Coding change: c.2210C>A on transcript NM_016507.4 (MANE Select); coding-DNA position 2210, C replaced by A.
Protein change: p.Thr737Asn; replaces threonine 737 with asparagine.
Molecular consequence: missense variant.
Genome position (GRCh38, 1-based): chr17:39,492,852, C>A. VCF-style: chr17-39492852-C-A. GRCh37 (hg19) VCF-style: chr17-37649105-C-A.
Other names: c.2210C>A, p.Thr737Asn (NM_015083.4); short protein forms T737N.
Identifiers: ClinVar variation 4868458 (VCV004868458.1).
Genomic context (GRCh38, chr17:39,492,852, plus strand): 5'-GCGACTGGGGGAAACGCTGTGTGGACAAGTTTGACATTATTGGGATTATTGGAGAAGGAA[C>A]CTATGGCCAAGTATATAAAGCCAAGGACAAAGACACAGGTAAATATTGCCACAAAATTTT-3'
Protein context (NP_057591.2, residues 727-747): FDIIGIIGEG[Thr737Asn]YGQVYKAKDK